The following is an entry in ClinVar:

ClinVar aggregate classification (germline): Uncertain significance (1 of 4 stars; one submission).

Conditions:
Hereditary cancer-predisposing syndrome. Also called: Tumor predisposition; Neoplastic Syndromes, Hereditary; Hereditary Cancer Syndrome; Hereditary neoplastic syndrome. Identifiers: Orphanet 140162, MedGen C0027672, MeSH D009386, MONDO:0015356.

gnomAD v4.1: 1 of 1,611,716 alleles (0.000062%); highest among the groups gnomAD compares: Non-Finnish European, 0.000085%; no homozygotes.

Submission:

Ambry Genetics
Classification: Uncertain significance for Hereditary cancer-predisposing syndrome. Last evaluated: 2025-02-25. Review status: criteria provided, single submitter. Criteria: Ambry Variant Classification Scheme 2023. Collection method: clinical testing. Allele origin: germline.
Comment: The p.A199V variant (also known as c.596C>T), located in coding exon 6 of the NF2 gene, results from a C to T substitution at nucleotide position 596. The alanine at codon 199 is replaced by valine, an amino acid with similar properties. This amino acid position is not well conserved in available vertebrate species. In addition, the in silico prediction for this alteration is inconclusive. Based on the available evidence, the clinical significance of this variant remains unclear.

NM_000268.4(NF2):c.596C>T (p.Ala199Val)

Gene: NF2 (NF2, moesin-ezrin-radixin like (MERLIN) tumor suppressor; plus strand). Cytogenetic location: 22q12.2.
Variant type: single nucleotide variant.
Coding change: c.596C>T on transcript NM_000268.4 (MANE Select); coding-DNA position 596, C replaced by T.
Protein change: p.Ala199Val; replaces alanine 199 with valine.
Molecular consequence: missense variant. On other transcripts: intron variant (1).
Genome position (GRCh38, 1-based): chr22:29,655,673, C>T. VCF-style: chr22-29655673-C-T. GRCh37 (hg19) VCF-style: chr22-30051662-C-T.
Other names: c.482C>T, p.Ala161Val (NM_001407053.1, NM_001407056.1); c.473C>T, p.Ala158Val (NM_001407054.1, NM_001407058.1, NM_001407062.1 and 1 more transcripts); c.470C>T, p.Ala157Val (NM_001407055.1, NM_181828.3); c.596C>T, p.Ala199Val (NM_001407057.1, NM_001407059.1, NM_001407060.1 and 4 more transcripts); c.347C>T, p.Ala116Val (NM_001407063.1, NM_001407064.1, NM_181830.3 and 1 more transcripts); c.62C>T, p.Ala21Val (NM_001407065.1); c.365C>T, p.Ala122Val (NM_001407067.1); c.447+13388C>T (NM_181833.3); short protein forms A122V, A161V, A158V, A21V, A116V, A157V, A199V.
Identifiers: ClinVar variation 3879180 (VCV003879180.1).